The following is an entry in ClinVar:

NM_001372.4(DNAH9):c.5590A>G (p.Met1864Val)

Gene: DNAH9 (dynein axonemal heavy chain 9; plus strand). Cytogenetic location: 17p12.
Variant type: single nucleotide variant.
Coding change: c.5590A>G on transcript NM_001372.4 (MANE Select); coding-DNA position 5590, A replaced by G.
Protein change: p.Met1864Val; replaces methionine 1864 with valine.
Molecular consequence: missense variant.
Genome position (GRCh38, 1-based): chr17:11,719,371, A>G. VCF-style: chr17-11719371-A-G. GRCh37 (hg19) VCF-style: chr17-11622688-A-G.
Other names: short protein forms M1864V.
Identifiers: ClinVar variation 3620484 (VCV003620484.2).

ClinVar aggregate classification (germline): Uncertain significance (1 of 4 stars; one submission).

Submission:

Labcorp Genetics (formerly Invitae), Labcorp
Classification: Uncertain significance. Last evaluated: 2024-07-23. Review status: criteria provided, single submitter. Criteria: Invitae Variant Classification Sherloc (09022015). Collection method: clinical testing. Allele origin: germline.
Comment: This sequence change replaces methionine, which is neutral and non-polar, with valine, which is neutral and non-polar, at codon 1864 of the DNAH9 protein (p.Met1864Val). This variant is not present in population databases (gnomAD no frequency). This variant has not been reported in the literature in individuals affected with DNAH9-related conditions. Advanced modeling of protein sequence and biophysical properties (such as structural, functional, and spatial information, amino acid conservation, physicochemical variation, residue mobility, and thermodynamic stability) has been performed at Invitae for this missense variant, however the output from this modeling did not meet the statistical confidence thresholds required to predict the impact of this variant on DNAH9 protein function. In summary, the available evidence is currently insufficient to determine the role of this variant in disease. Therefore, it has been classified as a Variant of Uncertain Significance.